The following is an entry in ClinVar:

ClinVar aggregate classification (germline): Uncertain significance (1 of 4 stars; one submission).

Conditions:
Rhabdoid tumor predisposition syndrome 2 (RTPS2). Identifiers: Orphanet 231108, Orphanet 69077, MedGen C2750074, MONDO:0013224, OMIM 613325.

Submission:

Labcorp Genetics (formerly Invitae), Labcorp
Classification: Uncertain significance for Rhabdoid tumor predisposition syndrome 2. Last evaluated: 2022-11-23. Review status: criteria provided, single submitter. Criteria: Invitae Variant Classification Sherloc (09022015). Collection method: clinical testing. Allele origin: germline.
Comment: In summary, the available evidence is currently insufficient to determine the role of this variant in disease. Therefore, it has been classified as a Variant of Uncertain Significance. Advanced modeling of protein sequence and biophysical properties (such as structural, functional, and spatial information, amino acid conservation, physicochemical variation, residue mobility, and thermodynamic stability) performed at Invitae indicates that this missense variant is not expected to disrupt SMARCA4 protein function. This variant has not been reported in the literature in individuals affected with SMARCA4-related conditions. This variant is not present in population databases (gnomAD no frequency). This sequence change replaces methionine, which is neutral and non-polar, with valine, which is neutral and non-polar, at codon 326 of the SMARCA4 protein (p.Met326Val).

NM_003072.5(SMARCA4):c.976A>G (p.Met326Val)

Gene: SMARCA4 (SWI/SNF related BAF chromatin remodeling complex subunit ATPase 4; plus strand). Cytogenetic location: 19p13.2.
Variant type: single nucleotide variant.
Coding change: c.976A>G on transcript NM_003072.5 (MANE Select); coding-DNA position 976, A replaced by G.
Protein change: p.Met326Val; replaces methionine 326 with valine.
Molecular consequence: missense variant. On other transcripts: non-coding transcript variant (1).
Genome position (GRCh38, 1-based): chr19:10,987,782, A>G. VCF-style: chr19-10987782-A-G. GRCh37 (hg19) VCF-style: chr19-11098458-A-G.
Other names: c.976A>G, p.Met326Val (NM_001128844.3, NM_001128845.2, NM_001128846.2 and 6 more transcripts); short protein forms M326V.
Identifiers: ClinVar variation 2917395 (VCV002917395.3), dbSNP rs1599968988, ClinGen allele CA404058558.
Genomic context (GRCh38, chr19:10,987,782, plus strand): 5'-CAGCCAACGGGCCGCCCTTCCCCCGCGCCCCCTGCCGTCCCACCCGCCGCCTCGCCCGTG[A>G]TGCCACCGCAGACCCAGTCCCCCGGGCAGCCGGCCCAGCCCGCGCCCATGGTGCCACTGC-3'
Protein context (NP_003063.2, residues 316-336): PAVPPAASPV[Met326Val]PPQTQSPGQP